The following is an entry in ClinVar:

NM_001077350.3(NPRL3):c.466G>A (p.Glu156Lys)

Genes: HBA-LCR (alpha-globin locus control region; plus strand), NPRL3 (NPR3 like, GATOR1 complex subunit; minus strand). Cytogenetic location: 16p13.3.
Variant type: single nucleotide variant.
Coding change: c.466G>A on transcript NM_001077350.3 (MANE Select); coding-DNA position 466, G replaced by A.
Protein change: p.Glu156Lys; replaces glutamic acid 156 with lysine.
Molecular consequence: missense variant. On other transcripts: 5 prime UTR variant (1).
Genome position (GRCh38, 1-based): chr16:112,703, C>T on the plus strand (G>A on the coding strand, the complement: NPRL3 is on the minus strand). VCF-style: chr16-112703-C-T. GRCh37 (hg19) VCF-style: chr16-162702-C-T.
Other names: c.-72G>A (NM_001039476.3); c.232G>A, p.Glu78Lys (NM_001243247.2); c.391G>A, p.Glu131Lys (NM_001243248.2, NM_001243249.2); short protein forms E131K, E78K, E156K.
Identifiers: ClinVar variation 967443 (VCV000967443.8), dbSNP rs374060440, ClinGen allele CA7769655.

ClinVar aggregate classification (germline): Uncertain significance (1 of 4 stars; one submission).

Conditions:
Epilepsy, familial focal, with variable foci 3 (FFEVF3). Identifiers: MedGen C4310708, MONDO:0014925, OMIM 617118.

Allele frequency attached by ClinVar (database versions not stated): gnomAD exomes 0.00001 and 0.00002; ExAC 0.00003; TOPMed 0.00004; gnomAD 0.00006; ESP Exome Variant Server 0.00008.

Submission:

Labcorp Genetics (formerly Invitae), Labcorp
Classification: Uncertain significance for Epilepsy, familial focal, with variable foci 3. Last evaluated: 2025-01-19. Review status: criteria provided, single submitter. Criteria: Invitae Variant Classification Sherloc (09022015). Collection method: clinical testing. Allele origin: germline.
Comment: This sequence change replaces glutamic acid, which is acidic and polar, with lysine, which is basic and polar, at codon 156 of the NPRL3 protein (p.Glu156Lys). This variant is present in population databases (rs374060440, gnomAD 0.01%). This variant has not been reported in the literature in individuals affected with NPRL3-related conditions. ClinVar contains an entry for this variant (Variation ID: 967443). Invitae Evidence Modeling of protein sequence and biophysical properties (such as structural, functional, and spatial information, amino acid conservation, physicochemical variation, residue mobility, and thermodynamic stability) indicates that this missense variant is expected to disrupt NPRL3 protein function with a positive predictive value of 80%. In summary, the available evidence is currently insufficient to determine the role of this variant in disease. Therefore, it has been classified as a Variant of Uncertain Significance.